The following is an entry in ClinVar:

ClinVar aggregate classification (germline): Uncertain significance (1 of 4 stars; one submission).

Allele frequency attached by ClinVar (database versions not stated): ExAC 0.00001; gnomAD 0.00001; gnomAD exomes 0.00001.
gnomAD v4.1: 19 of 1,613,416 alleles (0.0012%); highest among the groups gnomAD compares: Middle Eastern, 0.016%; no homozygotes.

Submission:

Labcorp Genetics (formerly Invitae), Labcorp
Classification: Uncertain significance. Last evaluated: 2023-07-12. Review status: criteria provided, single submitter. Criteria: Invitae Variant Classification Sherloc (09022015). Collection method: clinical testing. Allele origin: germline.
Comment: This sequence change replaces alanine, which is neutral and non-polar, with threonine, which is neutral and polar, at codon 379 of the DCHS1 protein (p.Ala379Thr). This variant is present in population databases (rs764551786, gnomAD 0.006%). This variant has not been reported in the literature in individuals affected with DCHS1-related conditions. Advanced modeling of protein sequence and biophysical properties (such as structural, functional, and spatial information, amino acid conservation, physicochemical variation, residue mobility, and thermodynamic stability) performed at Invitae indicates that this missense variant is expected to disrupt DCHS1 protein function. In summary, the available evidence is currently insufficient to determine the role of this variant in disease. Therefore, it has been classified as a Variant of Uncertain Significance.

NM_003737.4(DCHS1):c.1135G>A (p.Ala379Thr)

Gene: DCHS1 (dachsous cadherin-related 1; minus strand). Cytogenetic location: 11p15.4.
Variant type: single nucleotide variant.
Coding change: c.1135G>A on transcript NM_003737.4 (MANE Select); coding-DNA position 1135, G replaced by A.
Protein change: p.Ala379Thr; replaces alanine 379 with threonine.
Molecular consequence: missense variant.
Genome position (GRCh38, 1-based): chr11:6,640,479, C>T on the plus strand (G>A on the coding strand, the complement: DCHS1 is on the minus strand). VCF-style: chr11-6640479-C-T. GRCh37 (hg19) VCF-style: chr11-6661710-C-T.
Other names: short protein forms A379T.
Identifiers: ClinVar variation 2965807 (VCV002965807.3), dbSNP rs764551786, ClinGen allele CA5861020.